The following is an entry in ClinVar:

NM_001042492.3(NF1):c.654+2T>C

Gene: NF1 (neurofibromin 1; plus strand). Cytogenetic location: 17q11.2.
Variant type: single nucleotide variant.
Coding change: c.654+2T>C on transcript NM_001042492.3 (MANE Select); the canonical splice donor site of the intron after coding-DNA position 654, T replaced by C.
Molecular consequence: splice donor variant.
Genome position (GRCh38, 1-based): chr17:31,181,491, T>C. VCF-style: chr17-31181491-T-C. GRCh37 (hg19) VCF-style: chr17-29508509-T-C.
Other names: c.654+2T>C (NM_000267.4, NM_001128147.3, NM_000267.3).
Identifiers: ClinVar variation 1048732 (VCV001048732.8), dbSNP rs2143774762, ClinGen allele CA398989543.

ClinVar aggregate classification (germline): Pathogenic/Likely pathogenic. Review status: criteria provided, multiple submitters, no conflicts (2 of 4 stars). 4 submissions from 4 submitters: Pathogenic (2); Likely pathogenic (1). 1 of the submissions does not count toward it. Last evaluated 2026-05-07.

Conditions:
Cardiovascular phenotype. Identifiers: MedGen CN230736.
Hereditary cancer-predisposing syndrome. Also called: Hereditary neoplastic syndrome; Neoplastic Syndromes, Hereditary; Tumor predisposition; Hereditary Cancer Syndrome. Identifiers: Orphanet 140162, MedGen C0027672, MeSH D009386, MONDO:0015356.
Neurofibromatosis, type 1 (NF1). Also called: NEUROFIBROMATOSIS, TYPE I, SOMATIC; Neurofibromatosis, type I; VON RECKLINGHAUSEN DISEASE; Peripheral type neurofibromatosis. Identifiers: Orphanet 636, MedGen C0027831, MONDO:0018975, OMIM 162200. Disease mechanism: loss of function.

Submissions (4):

Ambry Genetics
Classification: Likely pathogenic for Cardiovascular phenotype; Hereditary cancer-predisposing syndrome. Last evaluated: 2026-05-07. Review status: criteria provided, single submitter. Criteria: Ambry Variant Classification Scheme 2023. Collection method: clinical testing. Allele origin: germline.
Comment: The c.654+2T>C intronic variant results from a T to C substitution two nucleotides after coding exon 6 in the NF1 gene. This variant was reported in individuals with features consistent with neurofibromatosis type I (Kang E et al. J Hum Genet, 2020 Jan;65:79-89; external communication; Ambry internal data). This variant is considered to be rare based on population cohorts in the Genome Aggregation Database (gnomAD). This nucleotide position is highly conserved in available vertebrate species. In silico splice site analysis predicts that this alteration may weaken the native splice donor site. Variants that disrupt the canonical splice site are expected to cause aberrant splicing, resulting in an abnormal protein or a transcript that is subject to nonsense-mediated mRNA decay. As such, this variant is classified as likely pathogenic.

Labcorp Genetics (formerly Invitae), Labcorp
Classification: Pathogenic for Neurofibromatosis, type 1. Last evaluated: 2025-01-06. Review status: criteria provided, single submitter. Criteria: Invitae Variant Classification Sherloc (09022015). Collection method: clinical testing. Allele origin: germline.
Comment: This sequence change affects a donor splice site in intron 6 of the NF1 gene. It is expected to disrupt RNA splicing. Variants that disrupt the donor or acceptor splice site typically lead to a loss of protein function (PMID: 16199547), and loss-of-function variants in NF1 are known to be pathogenic (PMID: 10712197, 23913538). This variant is not present in population databases (gnomAD no frequency). Disruption of this splice site has been observed in individual(s) with clinical features of neurofibromatosis type-1 (NF1) and/or NF1-Noonan syndrome (PMID: 21354044; internal data). ClinVar contains an entry for this variant (Variation ID: 1048732). Algorithms developed to predict the effect of sequence changes on RNA splicing suggest that this variant may disrupt the consensus splice site. For these reasons, this variant has been classified as Pathogenic.

GeneDx
Classification: Pathogenic. Last evaluated: 2024-07-26. Review status: criteria provided, single submitter. Criteria: GeneDx Variant Classification Process June 2021. Collection method: clinical testing. Allele origin: germline. Affected: yes.
Comment: Canonical splice site variant predicted to result in a null allele in a gene for which loss of function is a known mechanism of disease; Not observed at significant frequency in large population cohorts (gnomAD); This variant is associated with the following publications: (PMID: 31776437)

Laboratory of Medical Genetics, National & Kapodistrian University of Athens
Classification: Pathogenic for Neurofibromatosis, type 1. Last evaluated: 2019-01-01. Review status: no assertion criteria provided. Collection method: clinical testing. Allele origin: germline. Affected: yes. Not counted in ClinVar's aggregate classification.

Literature cited by the submitters: PubMed 31776437 (cited by Ambry Genetics); PubMed 16199547 (cited by Labcorp Genetics (formerly Invitae), Labcorp); PubMed 10712197 (cited by Labcorp Genetics (formerly Invitae), Labcorp); PubMed 23913538 (cited by Labcorp Genetics (formerly Invitae), Labcorp); PubMed 21354044 (cited by Labcorp Genetics (formerly Invitae), Labcorp).